The following is an entry in ClinVar:

ClinVar aggregate classification (germline): Uncertain significance. Review status: criteria provided, multiple submitters, no conflicts (2 of 4 stars). 3 submissions from 3 submitters: Uncertain significance (3). Last evaluated 2026-01-31.

Conditions:
Hereditary cancer-predisposing syndrome. Also called: Neoplastic Syndromes, Hereditary; Hereditary Cancer Syndrome; Tumor predisposition; Hereditary neoplastic syndrome. Identifiers: Orphanet 140162, MedGen C0027672, MeSH D009386, MONDO:0015356.

Allele frequency attached by ClinVar (database versions not stated): gnomAD exomes below 0.00001; ExAC 0.00001.
gnomAD v4.1: 3 of 1,614,076 alleles (0.00019%); highest among the groups gnomAD compares: Non-Finnish European, 0.00025%; no homozygotes.

Submissions (3):

Labcorp Genetics (formerly Invitae), Labcorp
Classification: Uncertain significance. Last evaluated: 2026-01-31. Review status: criteria provided, single submitter. Criteria: Invitae Variant Classification Sherloc (09022015). Collection method: clinical testing. Allele origin: germline.
Comment: This sequence change replaces glycine, which is neutral and non-polar, with arginine, which is basic and polar, at codon 353 of the CTNNA1 protein (p.Gly353Arg). This variant is present in population databases (rs758284033, gnomAD 0.0009%). This variant has not been reported in the literature in individuals affected with CTNNA1-related conditions. ClinVar contains an entry for this variant (Variation ID: 649882). Invitae Evidence Modeling of protein sequence and biophysical properties (such as structural, functional, and spatial information, amino acid conservation, physicochemical variation, residue mobility, and thermodynamic stability) indicates that this missense variant is not expected to disrupt CTNNA1 protein function with a negative predictive value of 80%. In summary, the available evidence is currently insufficient to determine the role of this variant in disease. Therefore, it has been classified as a Variant of Uncertain Significance.

Ambry Genetics
Classification: Uncertain significance for Hereditary cancer-predisposing syndrome. Last evaluated: 2024-09-12. Review status: criteria provided, single submitter. Criteria: Ambry Variant Classification Scheme 2023. Collection method: clinical testing. Allele origin: germline.
Comment: The p.G353R variant (also known as c.1057G>C), located in coding exon 6 of the CTNNA1 gene, results from a G to C substitution at nucleotide position 1057. The glycine at codon 353 is replaced by arginine, an amino acid with dissimilar properties. This amino acid position is highly conserved in available vertebrate species. In addition, the in silico prediction for this alteration is inconclusive. The evidence for this gene-disease relationship is limited; therefore, the clinical significance of this alteration is unclear.

Blueprint Genetics
Classification: Uncertain significance. Last evaluated: 2022-04-26. Review status: criteria provided, single submitter. Criteria: ACMG Guidelines, 2015. Collection method: clinical testing. Allele origin: germline.

NM_001903.5(CTNNA1):c.1057G>C (p.Gly353Arg)

Gene: CTNNA1 (catenin alpha 1; plus strand). Cytogenetic location: 5q31.2.
Variant type: single nucleotide variant.
Coding change: c.1057G>C on transcript NM_001903.5 (MANE Select); coding-DNA position 1057, G replaced by C.
Protein change: p.Gly353Arg; replaces glycine 353 with arginine.
Molecular consequence: missense variant.
Genome position (GRCh38, 1-based): chr5:138,827,713, G>C. VCF-style: chr5-138827713-G-C. GRCh37 (hg19) VCF-style: chr5-138163402-G-C.
Other names: c.1057G>C (NM_001903.2); c.1057G>C, p.Gly353Arg (NM_001290307.3, NM_001323982.2, NM_001323983.1 and 3 more transcripts); c.748G>C, p.Gly250Arg (NM_001290309.3); c.688G>C, p.Gly230Arg (NM_001290310.3); short protein forms G230R, G353R, G250R.
Identifiers: ClinVar variation 649882 (VCV000649882.12), dbSNP rs758284033, ClinGen allele CA3431609.